The following is an entry in ClinVar:

NM_207391.3(RGS9BP):c.375G>A (p.Ala125=)

Gene: RGS9BP (regulator of G protein signaling 9 binding protein; plus strand). Cytogenetic location: 19q13.11.
Variant type: single nucleotide variant.
Coding change: c.375G>A on transcript NM_207391.3 (MANE Select); coding-DNA position 375, G replaced by A.
Protein change: p.Ala125=; no amino-acid change (alanine 125 retained).
Molecular consequence: synonymous variant.
Genome position (GRCh38, 1-based): chr19:32,676,638, G>A. VCF-style: chr19-32676638-G-A. GRCh37 (hg19) VCF-style: chr19-33167544-G-A.
Other names: c.375G>A (NM_207391.2).
Identifiers: ClinVar variation 1107699 (VCV001107699.10), dbSNP rs1191762949, ClinGen allele CA506993999.
Genomic context (GRCh38, chr19:32,676,638, plus strand): 5'-GCACGCGCCGCGGCGGCCGCTGGTGCGCACAGGTGTGGCTGGCGCCTCCTCCGGCGTGGC[G>A]GCGCGCGCGCTGAGCACCCGCAGCCTGCGGCTCGAGGCGGAGGGCGACTTCGACGTCGCG-3'
Protein context (NP_997274.2, residues 115-135): TGVAGASSGV[Ala125=]ARALSTRSLR

ClinVar aggregate classification (germline): Likely benign. Review status: criteria provided, multiple submitters, no conflicts (2 of 4 stars). 2 submissions from 2 submitters: Likely benign (2). Last evaluated 2025-10-19.

Conditions:
RGS9BP-related disorder. Also called: RGS9BP-related condition.

Allele frequency attached by ClinVar (database versions not stated): gnomAD 0.00001; gnomAD exomes 0.00001 and 0.00002; TOPMed 0.00002.

Submissions (2):

PreventionGenetics, part of Exact Sciences
Classification: Likely benign for RGS9BP-related condition. Last evaluated: 2025-10-19. Review status: criteria provided, single submitter. Criteria: ACMG Guidelines, 2015. Collection method: clinical testing. Allele origin: germline.
Comment: This variant is classified as likely benign based on ACMG/AMP sequence variant interpretation guidelines (Richards et al. 2015 PMID: 25741868, with internal and published modifications).

Labcorp Genetics (formerly Invitae), Labcorp
Classification: Likely benign. Last evaluated: 2023-07-08. Review status: criteria provided, single submitter. Criteria: Invitae Variant Classification Sherloc (09022015). Collection method: clinical testing. Allele origin: germline.